The following is an entry in ClinVar:

ClinVar aggregate classification (germline): Likely pathogenic (1 of 4 stars; one submission).

Conditions:
Imerslund-Grasbeck syndrome. Also called: ENTEROCYTE COBALAMIN MALABSORPTION; ENTEROCYTE INTRINSIC FACTOR RECEPTOR, DEFECT OF; PERNICIOUS ANEMIA, JUVENILE, DUE TO SELECTIVE INTESTINAL MALABSORPTION OF VITAMIN B12, WITH PROTEINURIA; Imerslund-Gräsbeck syndrome; Megaloblastic anemia due to inborn errors of metabolism. Identifiers: Orphanet 35858, MedGen C4551825, MONDO:0009853.

Submission:

Labcorp Genetics (formerly Invitae), Labcorp
Classification: Likely pathogenic for Imerslund-Grasbeck syndrome. Last evaluated: 2024-04-14. Review status: criteria provided, single submitter. Criteria: Invitae Variant Classification Sherloc (09022015). Collection method: clinical testing. Allele origin: germline.
Comment: This variant results in the deletion of part of exon 40 (c.6111_6124+76delinsGC) of the CUBN gene. It is expected to disrupt RNA splicing. Variants that disrupt the donor or acceptor splice site typically lead to a loss of protein function (PMID: 16199547), and loss-of-function variants in CUBN are known to be pathogenic (PMID: 15024727, 22929189, 25349199, 31613795, 34979989). This variant is not present in population databases (gnomAD no frequency). This variant has not been reported in the literature in individuals affected with CUBN-related conditions. In summary, the currently available evidence indicates that the variant is pathogenic, but additional data are needed to prove that conclusively. Therefore, this variant has been classified as Likely Pathogenic.

Literature cited by the submitters: PubMed 16199547; PubMed 15024727; PubMed 22929189; PubMed 25349199; PubMed 31613795; PubMed 34979989.

NM_001081.4(CUBN):c.6111_6124+76delinsGC

Gene: CUBN (cubilin; minus strand). Cytogenetic location: 10p13.
Variant type: Indel.
Coding change: c.6111_6124+76delinsGC on transcript NM_001081.4 (MANE Select); coding-DNA position 6111 through 76 bases into the intron after coding-DNA position 6124, the reference bases replaced by GC.
Molecular consequence: splice donor variant.
Genome position (GRCh38, 1-based): chr10:16,933,011-16,933,100, 90 bases replaced. GRCh37 (hg19): chr10:16,975,010-16,975,099.
Identifiers: ClinVar variation 3649841 (VCV003649841.2).